The following is an entry in ClinVar:

NM_024496.4(IRF2BPL):c.375ACA[1] (p.Gln127del)

Gene: IRF2BPL (interferon regulatory factor 2 binding protein like; minus strand). Cytogenetic location: 14q24.3.
Variant type: Microsatellite.
Coding change: c.375ACA[1] on transcript NM_024496.4 (MANE Select); one copy of the 3-base unit ACA starting at c.375; the reference has two copies in a row; one copy, 3 bases deleted; also written c.378_380del.
Protein change: p.Gln127del; deletes glutamine 127.
Molecular consequence: inframe deletion.
Genome position (GRCh38, 1-based): chr14:77,027,413-77,027,415, TGT deleted on the plus strand (ACA on the coding strand, the reverse complement: IRF2BPL is on the minus strand); deleting any 3 consecutive bases within chr14:77,027,413-77,027,420 gives the same sequence; the position shown is the placement nearest the transcript's 3' end. VCF-style (leftmost placement, unchanged base first): chr14-77027412-CTGT-C. GRCh37 (hg19) VCF-style: chr14-77493755-CTGT-C.
Other names: c.378_380del (NM_024496.4); short protein forms Q127del.
Identifiers: ClinVar variation 2432869 (VCV002432869.28), dbSNP rs749893268, ClinGen allele CA7283969.

ClinVar aggregate classification (germline): Conflicting classifications of pathogenicity. Review status: criteria provided, conflicting classifications (1 of 4 stars). 3 submissions from 3 submitters: Uncertain significance (1); Likely benign (2). Last evaluated 2026-08-01.

Conditions:
Neurodevelopmental disorder with regression, abnormal movements, loss of speech, and seizures. Identifiers: Orphanet 597623, MedGen C4748127, MONDO:0060759, OMIM 618088.

Submissions (3):

CeGaT Center for Human Genetics Tuebingen
Classification: Likely benign. Last evaluated: 2026-08-01. Review status: criteria provided, single submitter. Criteria: CeGaT Center For Human Genetics Tuebingen Variant Classification Criteria Version 2. Collection method: clinical testing. Allele origin: germline. Affected: yes. Observed: 4 variant alleles.
Comment: IRF2BPL: BS1

Blueprint Genetics
Classification: Likely benign. Last evaluated: 2024-10-30. Review status: criteria provided, single submitter. Criteria: ACMG Guidelines, 2015. Collection method: clinical testing. Allele origin: germline.

Revvity Omics, Revvity
Classification: Uncertain significance for Neurodevelopmental disorder with regression, abnormal movements, loss of speech, and seizures. Last evaluated: 2020-03-19. Review status: criteria provided, single submitter. Criteria: ACMG Guidelines, 2015. Collection method: clinical testing. Allele origin: germline.